The following is an entry in ClinVar:

ClinVar aggregate classification (germline): Uncertain significance (1 of 4 stars; one submission).

Conditions:
Clark-Baraitser syndrome. Also called: BARAITSER SYNDROME; Mental retardation, tall stature, obesity, macrocephaly and typical facial features; Intellectual disability, autosomal dominant 49; MENTAL RETARDATION, AUTOSOMAL DOMINANT 49. Identifiers: Orphanet 600731, MedGen C2931130, MONDO:0030914, OMIM 617752.

Allele frequency attached by ClinVar (database versions not stated): gnomAD exomes below 0.00001; TOPMed below 0.00001.
gnomAD v4.1: 5 of 1,613,792 alleles (0.00031%); highest among the groups gnomAD compares: Non-Finnish European, 0.00034%; no homozygotes.

Submission:

Clinical Genomics Laboratory, Washington University in St. Louis
Classification: Uncertain significance for Clark-Baraitser syndrome. Last evaluated: 2023-07-05. Review status: criteria provided, single submitter. Criteria: ACMG Guidelines, 2015. Collection method: clinical testing. Allele origin: germline.
Comment: The TRIP12 c.4108G>A (p.Val1370Ile) variant, to our knowledge, has not been reported in the medical literature and is only observed on 2/251,290 alleles in the general population (gnomAD v.2.1.1), indicating it is not a common variant. Computational predictors suggest that the variant does not impact TRIP12 function. Due to limited information, and based on ACMG/AMP guidelines for variant interpretation (Richards S et al., PMID: 25741868), the clinical significance of this variant is uncertain at this time.

NM_001348323.3(TRIP12):c.4108G>A (p.Val1370Ile)

Gene: TRIP12 (thyroid hormone receptor interactor 12; minus strand). Cytogenetic location: 2q36.3.
Variant type: single nucleotide variant.
Coding change: c.4108G>A on transcript NM_001348323.3 (MANE Select); coding-DNA position 4108, G replaced by A.
Protein change: p.Val1370Ile; replaces valine 1370 with isoleucine.
Molecular consequence: missense variant.
Genome position (GRCh38, 1-based): chr2:229,793,006, C>T on the plus strand (G>A on the coding strand, the complement: TRIP12 is on the minus strand). VCF-style: chr2-229793006-C-T. GRCh37 (hg19) VCF-style: chr2-230657722-C-T.
Other names: c.4027G>A, p.Val1343Ile (NM_001284214.2, NM_001348315.2); c.3982G>A, p.Val1328Ile (NM_001284215.2, NM_001348316.2); c.3073G>A, p.Val1025Ile (NM_001284216.2); c.3967G>A, p.Val1323Ile (NM_001348317.1, NM_001348318.2); c.4093G>A, p.Val1365Ile (NM_001348319.1, NM_001348320.2); c.4096G>A, p.Val1366Ile (NM_001348321.1); c.4108G>A, p.Val1370Ile (NM_001348322.1, NM_001348324.2, NM_001348325.2 and 2 more transcripts); c.4111G>A, p.Val1371Ile (NM_001348328.1, NM_001348329.2, NM_001348330.2); and 4 more; short protein forms V1025I, V1295I, V1296I, V1323I, V1328I, V1336I, V1343I, V1344I.
Identifiers: ClinVar variation 2672193 (VCV002672193.1), dbSNP rs1332901100, ClinGen allele CA350901987.